The following is an entry in ClinVar:

NM_033026.6(PCLO):c.7427C>T (p.Thr2476Ile)

Gene: PCLO (piccolo presynaptic cytomatrix protein; minus strand). Cytogenetic location: 7q21.11.
Variant type: single nucleotide variant.
Coding change: c.7427C>T on transcript NM_033026.6 (MANE Select); coding-DNA position 7427, C replaced by T.
Protein change: p.Thr2476Ile; replaces threonine 2476 with isoleucine.
Molecular consequence: missense variant.
Genome position (GRCh38, 1-based): chr7:82,953,526, G>A on the plus strand (C>T on the coding strand, the complement: PCLO is on the minus strand). VCF-style: chr7-82953526-G-A. GRCh37 (hg19) VCF-style: chr7-82582842-G-A.
Other names: c.7427C>T, p.Thr2476Ile (NM_014510.3); short protein forms T2476I.
Identifiers: ClinVar variation 2081870 (VCV002081870.4), dbSNP rs773912089, ClinGen allele CA4320304.

ClinVar aggregate classification (germline): Uncertain significance (1 of 4 stars; one submission).

Allele frequency attached by ClinVar (database versions not stated): gnomAD exomes below 0.00001; ExAC 0.00001; TOPMed 0.00002.

Submission:

Labcorp Genetics (formerly Invitae), Labcorp
Classification: Uncertain significance. Last evaluated: 2022-01-13. Review status: criteria provided, single submitter. Criteria: Invitae Variant Classification Sherloc (09022015). Collection method: clinical testing. Allele origin: germline.
Comment: This sequence change replaces threonine, which is neutral and polar, with isoleucine, which is neutral and non-polar, at codon 2476 of the PCLO protein (p.Thr2476Ile). This variant is present in population databases (rs773912089, gnomAD 0.006%). This variant has not been reported in the literature in individuals affected with PCLO-related conditions. Algorithms developed to predict the effect of missense changes on protein structure and function are either unavailable or do not agree on the potential impact of this missense change (SIFT: "Tolerated"; PolyPhen-2: "Not Available"; Align-GVGD: "Class C0"). In summary, the available evidence is currently insufficient to determine the role of this variant in disease. Therefore, it has been classified as a Variant of Uncertain Significance.